The following is an entry in ClinVar:

NM_004183.4(BEST1):c.1648A>G (p.Asn550Asp)

Gene: BEST1 (bestrophin 1; plus strand). Cytogenetic location: 11q12.3.
Variant type: single nucleotide variant.
Coding change: c.1648A>G on transcript NM_004183.4 (MANE Select); coding-DNA position 1648, A replaced by G.
Protein change: p.Asn550Asp; replaces asparagine 550 with aspartic acid.
Molecular consequence: missense variant. On other transcripts: non-coding transcript variant (1).
Genome position (GRCh38, 1-based): chr11:61,962,802, A>G. VCF-style: chr11-61962802-A-G. GRCh37 (hg19) VCF-style: chr11-61730274-A-G.
Other names: c.1468A>G, p.Asn490Asp (NM_001139443.3, NM_001300787.2); c.1387A>G, p.Asn463Asp (NM_001300786.2); c.1330A>G, p.Asn444Asp (NM_001363591.3); c.*543A>G (NM_001363592.2); c.676A>G, p.Asn226Asp (NM_001363593.3); short protein forms N444D, N490D, N550D, N226D, N463D.
Identifiers: ClinVar variation 1429947 (VCV001429947.8), dbSNP rs1268844906, ClinGen allele CA380850193.

ClinVar aggregate classification (germline): Uncertain significance. Review status: criteria provided, multiple submitters, no conflicts (2 of 4 stars). 3 submissions from 3 submitters: Uncertain significance (3). Last evaluated 2025-02-27.

Conditions:
Inborn genetic diseases. Identifiers: MedGen C0950123, MeSH D030342.

Allele frequency attached by ClinVar (database versions not stated): gnomAD exomes below 0.00001; gnomAD 0.00001.
gnomAD v4.1: 2 of 1,614,050 alleles (0.00012%); no homozygotes.

Submissions (3):

Ambry Genetics
Classification: Uncertain significance for Inborn genetic diseases. Last evaluated: 2025-02-27. Review status: criteria provided, single submitter. Criteria: Ambry Variant Classification Scheme 2023. Collection method: clinical testing. Allele origin: germline.

Blueprint Genetics
Classification: Uncertain significance. Last evaluated: 2022-12-08. Review status: criteria provided, single submitter. Criteria: ACMG Guidelines, 2015. Collection method: clinical testing. Allele origin: germline.

Labcorp Genetics (formerly Invitae), Labcorp
Classification: Uncertain significance. Last evaluated: 2021-09-26. Review status: criteria provided, single submitter. Criteria: Invitae Variant Classification Sherloc (09022015). Collection method: clinical testing. Allele origin: germline.
Comment: This sequence change replaces asparagine with aspartic acid at codon 550 of the BEST1 protein (p.Asn550Asp). The asparagine residue is weakly conserved and there is a small physicochemical difference between asparagine and aspartic acid. This variant is not present in population databases (ExAC no frequency). In summary, the available evidence is currently insufficient to determine the role of this variant in disease. Therefore, it has been classified as a Variant of Uncertain Significance. Advanced modeling of protein sequence and biophysical properties (such as structural, functional, and spatial information, amino acid conservation, physicochemical variation, residue mobility, and thermodynamic stability) performed at Invitae indicates that this missense variant is not expected to disrupt BEST1 protein function. This variant has not been reported in the literature in individuals affected with BEST1-related conditions.